The following is an entry in ClinVar:

NM_000069.3(CACNA1S):c.2952G>A (p.Glu984=)

Gene: CACNA1S (calcium voltage-gated channel subunit alpha1 S; minus strand). Cytogenetic location: 1q32.1.
Variant type: single nucleotide variant.
Coding change: c.2952G>A on transcript NM_000069.3 (MANE Select); coding-DNA position 2952, G replaced by A.
Protein change: p.Glu984=; no amino-acid change (glutamic acid 984 retained).
Molecular consequence: synonymous variant.
Genome position (GRCh38, 1-based): chr1:201,062,045, C>T on the plus strand (G>A on the coding strand, the complement: CACNA1S is on the minus strand). VCF-style: chr1-201062045-C-T. GRCh37 (hg19) VCF-style: chr1-201031173-C-T.
Identifiers: ClinVar variation 473982 (VCV000473982.17), dbSNP rs1553250091, ClinGen allele CA422720479.

ClinVar aggregate classification (germline): Likely benign. Review status: criteria provided, multiple submitters, no conflicts (2 of 4 stars). 2 submissions from 2 submitters: Likely benign (2). Last evaluated 2025-11-01.

Conditions:
Hypokalemic periodic paralysis, type 1. Also called: HypoPP; Hypokalemic Periodic Paralysis Type 1 (AD). Identifiers: Orphanet 681, MedGen C3714580, MONDO:0042979, OMIM 170400.
Malignant hyperthermia, susceptibility to, 5 (MHS5). Also called: CACNA1S-Related Malignant Hyperthermia Susceptibility. Identifiers: Orphanet 423, MedGen C1866077, MONDO:0011163, OMIM 601887.

Allele frequency attached by ClinVar (database versions not stated): gnomAD exomes below 0.00001.
gnomAD v4.1: 1 of 1,614,170 alleles (0.000062%); highest among the groups gnomAD compares: Admixed American, 0.0017%; no homozygotes.

Submissions (2):

CeGaT Center for Human Genetics Tuebingen
Classification: Likely benign. Last evaluated: 2025-11-01. Review status: criteria provided, single submitter. Criteria: CeGaT Center For Human Genetics Tuebingen Variant Classification Criteria Version 2. Collection method: clinical testing. Allele origin: germline. Affected: yes. Observed: 1 variant allele.
Comment: CACNA1S: BP4, BP7

Labcorp Genetics (formerly Invitae), Labcorp
Classification: Likely benign for Hypokalemic periodic paralysis, type 1; Malignant hyperthermia, susceptibility to, 5. Last evaluated: 2025-08-03. Review status: criteria provided, single submitter. Criteria: Invitae Variant Classification Sherloc (09022015). Collection method: clinical testing. Allele origin: germline.